The following is an entry in ClinVar:

NM_153704.6(TMEM67):c.2077C>T (p.Leu693Phe)

Gene: TMEM67 (transmembrane protein 67; plus strand). Cytogenetic location: 8q22.1.
Variant type: single nucleotide variant.
Coding change: c.2077C>T on transcript NM_153704.6 (MANE Select); coding-DNA position 2077, C replaced by T.
Protein change: p.Leu693Phe; replaces leucine 693 with phenylalanine.
Molecular consequence: missense variant. On other transcripts: non-coding transcript variant (1).
Genome position (GRCh38, 1-based): chr8:93,797,447, C>T. VCF-style: chr8-93797447-C-T. GRCh37 (hg19) VCF-style: chr8-94809675-C-T.
Other names: c.1834C>T, p.Leu612Phe (NM_001142301.1); short protein forms L693F, L612F.
Identifiers: ClinVar variation 4983035 (VCV004983035.1).
Genomic context (GRCh38, chr8:93,797,447, plus strand): 5'-GTAGCAAATGAATGGAATGAAATTCAGACTGTGAGAAAAATTAATTCACTCTTTCAAGTA[C>T]TTACTGTCCTCTTCTTTTTGGAGGTATAAACTGTTTGATGTGATTATATGCGACTTACAT-3'
Protein context (NP_714915.3, residues 683-703): VRKINSLFQV[Leu693Phe]TVLFFLEVVG

ClinVar aggregate classification (germline): Uncertain significance (1 of 4 stars; one submission).

Conditions:
TMEM67-related disorder. Also called: TMEM67-related disorders; TMEM67-related condition. Identifiers: MedGen CN239423.

gnomAD v4.1: 3 of 1,613,760 alleles (0.00019%); highest among the groups gnomAD compares: African/African-American, 0.0013%; no homozygotes.

Submission:

PreventionGenetics, part of Exact Sciences
Classification: Uncertain significance for TMEM67-related condition. Last evaluated: 2026-03-04. Review status: criteria provided, single submitter. Criteria: ACMG Guidelines, 2015. Collection method: clinical testing. Allele origin: germline.
Comment: The TMEM67 c.2077C>T variant is predicted to result in the amino acid substitution p.Leu693Phe. To our knowledge, this variant has not been reported in the literature. This variant is reported in 0.00088% of alleles in individuals of European (Non-Finnish) descent in gnomAD. At this time, the clinical significance of this variant is uncertain due to the absence of conclusive functional and genetic evidence.